The following is an entry in ClinVar:

NM_020297.4(ABCC9):c.2245A>T (p.Arg749Trp)

Gene: ABCC9 (ATP binding cassette subfamily C member 9; minus strand). Cytogenetic location: 12p12.1.
Variant type: single nucleotide variant.
Coding change: c.2245A>T on transcript NM_020297.4 (MANE Select); coding-DNA position 2245, A replaced by T.
Protein change: p.Arg749Trp; replaces arginine 749 with tryptophan.
Molecular consequence: missense variant.
Genome position (GRCh38, 1-based): chr12:21,863,047, T>A on the plus strand (A>T on the coding strand, the complement: ABCC9 is on the minus strand). VCF-style: chr12-21863047-T-A. GRCh37 (hg19) VCF-style: chr12-22015981-T-A.
Other names: c.2245A>T, p.Arg749Trp (NM_001377273.1, NM_005691.4); c.1378A>T, p.Arg460Trp (NM_001377274.1); short protein forms R460W, R749W.
Identifiers: ClinVar variation 1392540 (VCV001392540.8), dbSNP rs755331988, ClinGen allele CA6481429.

ClinVar aggregate classification (germline): Uncertain significance. Review status: criteria provided, multiple submitters, no conflicts (2 of 4 stars). 2 submissions from 2 submitters: Uncertain significance (2). Last evaluated 2025-08-06.

Conditions:
Dilated cardiomyopathy 1O (CMD1O). Also called: CARDIOMYOPATHY, DILATED, WITH VENTRICULAR TACHYCARDIA. Identifiers: MedGen C1837839, MONDO:0012062, OMIM 608569, Orphanet 154.
Cardiovascular phenotype. Identifiers: MedGen CN230736.

Allele frequency attached by ClinVar (database versions not stated): ExAC 0.00001; gnomAD exomes below 0.00001.
gnomAD v4.1: 2 of 1,604,726 alleles (0.00012%); highest among the groups gnomAD compares: Non-Finnish European, 0.000085%; no homozygotes.

Submissions (2):

Labcorp Genetics (formerly Invitae), Labcorp
Classification: Uncertain significance for Dilated cardiomyopathy 1O. Last evaluated: 2025-08-06. Review status: criteria provided, single submitter. Criteria: Invitae Variant Classification Sherloc (09022015). Collection method: clinical testing. Allele origin: germline.
Comment: This sequence change replaces arginine, which is basic and polar, with tryptophan, which is neutral and slightly polar, at codon 749 of the ABCC9 protein (p.Arg749Trp). This variant is present in population databases (rs755331988, gnomAD 0.0009%). This variant has not been reported in the literature in individuals affected with ABCC9-related conditions. ClinVar contains an entry for this variant (Variation ID: 1392540). Invitae Evidence Modeling of protein sequence and biophysical properties (such as structural, functional, and spatial information, amino acid conservation, physicochemical variation, residue mobility, and thermodynamic stability) indicates that this missense variant is expected to disrupt ABCC9 protein function with a positive predictive value of 80%. In summary, the available evidence is currently insufficient to determine the role of this variant in disease. Therefore, it has been classified as a Variant of Uncertain Significance.

Ambry Genetics
Classification: Uncertain significance for Cardiovascular phenotype. Last evaluated: 2021-05-11. Review status: criteria provided, single submitter. Criteria: Ambry Variant Classification Scheme 2023. Collection method: clinical testing. Allele origin: germline.
Comment: The p.R749W variant (also known as c.2245A>T), located in coding exon 18 of the ABCC9 gene, results from an A to T substitution at nucleotide position 2245. The arginine at codon 749 is replaced by tryptophan, an amino acid with dissimilar properties. This amino acid position is highly conserved in available vertebrate species. In addition, this alteration is predicted to be deleterious by in silico analysis. Since supporting evidence is limited at this time, the clinical significance of this alteration remains unclear.